The following is an entry in ClinVar:

NM_022817.3(PER2):c.1201C>T (p.Arg401Cys)

Gene: PER2 (period circadian regulator 2; minus strand). Cytogenetic location: 2q37.3.
Variant type: single nucleotide variant.
Coding change: c.1201C>T on transcript NM_022817.3 (MANE Select); coding-DNA position 1201, C replaced by T.
Protein change: p.Arg401Cys; replaces arginine 401 with cysteine.
Molecular consequence: missense variant.
Genome position (GRCh38, 1-based): chr2:238,262,297, G>A on the plus strand (C>T on the coding strand, the complement: PER2 is on the minus strand). VCF-style: chr2-238262297-G-A. GRCh37 (hg19) VCF-style: chr2-239170938-G-A.
Other names: short protein forms R401C.
Identifiers: ClinVar variation 767874 (VCV000767874.7), dbSNP rs77146655, ClinGen allele CA2197491.
Genomic context (GRCh38, chr2:238,262,297, plus strand): 5'-ATGGGTTGATGAAGCTGGACCAGCTGGTGTCCAACGTGATGTACTCTCCGTTCCGGGCGC[G>A]AAACCGAATGGGAGAATAGTCGAAAGGCTGCCCGCCTGACTGCAGGACTAGGAGAGCAAA-3'
Protein context (NP_073728.1, residues 391-411): QPFDYSPIRF[Arg401Cys]ARNGEYITLD

ClinVar aggregate classification (germline): Benign. Review status: criteria provided, multiple submitters, no conflicts (2 of 4 stars). 3 submissions from 3 submitters: Benign (2). 1 of the submissions does not count toward it. Last evaluated 2019-12-31.

Conditions:
PER2-related disorder. Also called: PER2-related condition.

Allele frequency attached by ClinVar (database versions not stated): gnomAD exomes 0.00120 and 0.00317; ExAC 0.00411; 1000 Genomes Project 0.01058; 1000 Genomes Project 30x 0.01234; gnomAD 0.01262 and 0.01376; TOPMed 0.01438; ESP Exome Variant Server 0.01584.
gnomAD v4.1: 3,723 of 1,613,956 alleles (0.23%); highest among the groups gnomAD compares: African/African-American, 4.5%; 78 homozygotes.

Submissions (3):

Labcorp Genetics (formerly Invitae), Labcorp
Classification: Benign. Last evaluated: 2019-12-31. Review status: criteria provided, single submitter. Criteria: Invitae Variant Classification Sherloc (09022015). Collection method: clinical testing. Allele origin: germline.

Breakthrough Genomics
Classification: Benign. Review status: criteria provided, single submitter. Criteria: ACMG Guidelines, 2015. Collection method: not provided. Allele origin: germline. Inheritance: Autosomal dominant inheritance. Affected: yes.

PreventionGenetics, part of Exact Sciences
Classification: Benign for PER2-related condition. Last evaluated: 2020-03-03. Review status: no assertion criteria provided. Collection method: clinical testing. Allele origin: germline. Not counted in ClinVar's aggregate classification.
Comment: This variant is classified as benign based on ACMG/AMP sequence variant interpretation guidelines (Richards et al. 2015 PMID: 25741868, with internal and published modifications).